The following is an entry in ClinVar:

NM_000455.5(STK11):c.*16+12C>T

Gene: STK11 (serine/threonine kinase 11; plus strand). Cytogenetic location: 19p13.3.
Variant type: single nucleotide variant.
Coding change: c.*16+12C>T on transcript NM_000455.5 (MANE Select); 12 bases into the intron after 16 bases downstream of the stop codon, C replaced by T.
Molecular consequence: intron variant.
Genome position (GRCh38, 1-based): chr19:1,226,675, C>T. VCF-style: chr19-1226675-C-T. GRCh37 (hg19) VCF-style: chr19-1226674-C-T.
Identifiers: ClinVar variation 182891 (VCV000182891.7), dbSNP rs730881966, ClinGen allele CA022644.

ClinVar aggregate classification (germline): Benign/Likely benign. Review status: criteria provided, multiple submitters, no conflicts (2 of 4 stars). 2 submissions from 2 submitters: Benign (1); Likely benign (1). Last evaluated 2025-03-04.

Allele frequency attached by ClinVar (database versions not stated): gnomAD exomes 0.00002 and 0.00010; TOPMed 0.00006; gnomAD 0.00007.

Submissions (2):

Center for Genomic Medicine, Rigshospitalet, Copenhagen University Hospital
Classification: Likely benign. Last evaluated: 2025-03-04. Review status: criteria provided, single submitter. Criteria: ACMG Guidelines, 2015. Collection method: clinical testing. Allele origin: germline.

GeneDx
Classification: Benign. Last evaluated: 2014-07-07. Review status: criteria provided, single submitter. Criteria: GeneDx Variant Classification (06012015). Collection method: clinical testing. Allele origin: germline. Affected: yes.
Comment: This variant is considered likely benign or benign based on one or more of the following criteria: it is a conservative change, it occurs at a poorly conserved position in the protein, it is predicted to be benign by multiple in silico algorithms, and/or has population frequency not consistent with disease.